The following is an entry in ClinVar:

ClinVar aggregate classification (germline): Pathogenic. Review status: criteria provided, multiple submitters, no conflicts (2 of 4 stars). 3 submissions from 3 submitters: Pathogenic (2). 1 of the submissions does not count toward it. Last evaluated 2024-03-05.

Conditions:
Pyruvate carboxylase deficiency. Also called: ATAXIA WITH LACTIC ACIDOSIS II; LEIGH NECROTIZING ENCEPHALOPATHY DUE TO PYRUVATE CARBOXYLASE DEFICIENCY; LEIGH SYNDROME DUE TO PYRUVATE CARBOXYLASE DEFICIENCY; PC DEFICIENCY; Pyruvate Carboxylase Deficiency Disease. Identifiers: Orphanet 3008, MedGen C0034341, MONDO:0009949, OMIM 266150.

Allele frequency attached by ClinVar (database versions not stated): gnomAD exomes below 0.00001; ExAC 0.00001.
gnomAD v4.1: 2 of 1,613,880 alleles (0.00012%); highest among the groups gnomAD compares: Non-Finnish European, 0.00017%; no homozygotes.

Submissions (3):

Fulgent Genetics
Classification: Pathogenic for Pyruvate carboxylase deficiency. Last evaluated: 2024-03-05. Review status: criteria provided, single submitter. Criteria: ACMG Guidelines, 2015. Collection method: clinical testing. Allele origin: germline.

Labcorp Genetics (formerly Invitae), Labcorp
Classification: Pathogenic for Pyruvate carboxylase deficiency. Last evaluated: 2023-01-16. Review status: criteria provided, single submitter. Criteria: Invitae Variant Classification Sherloc (09022015). Collection method: clinical testing. Allele origin: germline.
Comment: For these reasons, this variant has been classified as Pathogenic. Algorithms developed to predict the effect of missense changes on protein structure and function are either unavailable or do not agree on the potential impact of this missense change (SIFT: "Deleterious"; PolyPhen-2: "Probably Damaging"; Align-GVGD: "Class C0"). ClinVar contains an entry for this variant (Variation ID: 2094). This missense change has been observed in individual(s) with pyruvate carboxylase deficiency (PMID: 9585612, 30870574). This variant is present in population databases (rs28940589, gnomAD 0.0009%). This sequence change replaces alanine, which is neutral and non-polar, with threonine, which is neutral and polar, at codon 610 of the PC protein (p.Ala610Thr).

OMIM
Classification: Pathogenic for PYRUVATE CARBOXYLASE DEFICIENCY. Last evaluated: 1998-06-01. Review status: no assertion criteria provided. Collection method: literature only. Allele origin: germline. Not counted in ClinVar's aggregate classification.

Literature cited by the submitters: PubMed 9585612 (cited by Labcorp Genetics (formerly Invitae), Labcorp and OMIM); PubMed 30870574 (cited by Labcorp Genetics (formerly Invitae), Labcorp).

NM_001040716.2(PC):c.1828G>A (p.Ala610Thr)

Gene: PC (pyruvate carboxylase; minus strand). Cytogenetic location: 11q13.2.
Variant type: single nucleotide variant.
Coding change: c.1828G>A on transcript NM_001040716.2 (MANE Select); coding-DNA position 1828, G replaced by A.
Protein change: p.Ala610Thr; replaces alanine 610 with threonine.
Molecular consequence: missense variant.
Genome position (GRCh38, 1-based): chr11:66,851,944, C>T on the plus strand (G>A on the coding strand, the complement: PC is on the minus strand). VCF-style: chr11-66851944-C-T. GRCh37 (hg19) VCF-style: chr11-66619415-C-T.
Other names: c.1828G>A, p.Ala610Thr (NM_000920.4, NM_022172.3); short protein forms A610T.
Identifiers: ClinVar variation 2094 (VCV000002094.8), dbSNP rs28940589, ClinGen allele CA339936.